The following is an entry in ClinVar:

ClinVar aggregate classification (germline): Uncertain significance (1 of 4 stars; one submission).

Conditions:
Autosomal dominant hypocalcemia 1 (HYPOC1). Also called: HYPOCALCEMIA, FAMILIAL. Identifiers: MedGen C3715128, MONDO:0011013, OMIM 601198.
Familial hypocalciuric hypercalcemia (FHH). Also called: Familial benign hypercalcemia. Identifiers: Orphanet 405, MedGen C1809471, MONDO:0018458.

Submission:

Labcorp Genetics (formerly Invitae), Labcorp
Classification: Uncertain significance for Familial hypocalciuric hypercalcemia; Autosomal dominant hypocalcemia 1. Last evaluated: 2023-03-23. Review status: criteria provided, single submitter. Criteria: Invitae Variant Classification Sherloc (09022015). Collection method: clinical testing. Allele origin: germline.
Comment: This sequence change falls in intron 2 of the CASR gene. It does not directly change the encoded amino acid sequence of the CASR protein. It affects a nucleotide within the consensus splice site. This variant is not present in population databases (gnomAD no frequency). This variant has not been reported in the literature in individuals affected with CASR-related conditions. ClinVar contains an entry for this variant (Variation ID: 641261). Variants that disrupt the consensus splice site are a relatively common cause of aberrant splicing (PMID: 17576681, 9536098). Algorithms developed to predict the effect of sequence changes on RNA splicing suggest that this variant is not likely to affect RNA splicing. In summary, the available evidence is currently insufficient to determine the role of this variant in disease. Therefore, it has been classified as a Variant of Uncertain Significance.

Literature cited by the submitters: PubMed 17576681; PubMed 9536098.

NM_000388.4(CASR):c.185+5_185+18del

Gene: CASR (calcium sensing receptor; plus strand). Cytogenetic location: 3q21.1.
Variant type: Deletion.
Coding change: c.185+5_185+18del on transcript NM_000388.4 (MANE Select); bases 5 to 18 of the intron after coding-DNA position 185, 14 bases deleted (GAAGAGGGGCCTAA).
Molecular consequence: splice donor variant.
Genome position (GRCh38, 1-based): chr3:122,254,379-122,254,392, GAAGAGGGGCCTAA deleted; deleting any 14 consecutive bases within chr3:122,254,376-122,254,392 gives the same sequence; the c. name uses the placement nearest the transcript's 3' end. VCF-style (leftmost placement, unchanged base first): chr3-122254375-GTAAGAAGAGGGGCC-G. GRCh37 (hg19) VCF-style: chr3-121973222-GTAAGAAGAGGGGCC-G.
Other names: c.185+5_185+18delGAAGAGGGGCCTAA (NM_000388.3); c.185+5_185+18del (NM_001178065.2).
Identifiers: ClinVar variation 641261 (VCV000641261.7), dbSNP rs1576852370, ClinGen allele CA915941543.